The following is an entry in ClinVar:

NM_001319074.4(RAX2):c.181G>A (p.Ala61Thr)

Gene: RAX2 (retina and anterior neural fold homeobox 2; minus strand). Cytogenetic location: 19p13.3.
Variant type: single nucleotide variant.
Coding change: c.181G>A on transcript NM_001319074.4 (MANE Select); coding-DNA position 181, G replaced by A.
Protein change: p.Ala61Thr; replaces alanine 61 with threonine.
Molecular consequence: missense variant.
Genome position (GRCh38, 1-based): chr19:3,771,562, C>T on the plus strand (G>A on the coding strand, the complement: RAX2 is on the minus strand). VCF-style: chr19-3771562-C-T. GRCh37 (hg19) VCF-style: chr19-3771560-C-T.
Other names: c.181G>A, p.Ala61Thr (NM_032753.4); short protein forms A61T.
Identifiers: ClinVar variation 1001242 (VCV001001242.7), dbSNP rs373359134, ClinGen allele CA304417228.
Genomic context (GRCh38, chr19:3,771,562, plus strand): 5'-TGTGTGTGTTGGGGGGTGCCCTCACCTGCACGCGCACCTCAGGTAGGTGCACCTTGGCTG[C>T]CAGCTCCTCACGGCTGTACACATCCGGGTAGTGAGAGGCCTCGAACGCCCGCTCCAGCTG-3'
Protein context (NP_001306003.2, residues 51-71): YPDVYSREEL[Ala61Thr]AKVHLPEVRV

ClinVar aggregate classification (germline): Uncertain significance. Review status: criteria provided, multiple submitters, no conflicts (2 of 4 stars). 2 submissions from 2 submitters: Uncertain significance (2). Last evaluated 2025-04-22.

Allele frequency attached by ClinVar (database versions not stated): gnomAD exomes below 0.00001 and 0.00001; TOPMed 0.00001; ESP Exome Variant Server 0.00008.

Submissions (2):

Labcorp Genetics (formerly Invitae), Labcorp
Classification: Uncertain significance. Last evaluated: 2025-04-22. Review status: criteria provided, single submitter. Criteria: Invitae Variant Classification Sherloc (09022015). Collection method: clinical testing. Allele origin: germline.
Comment: This sequence change replaces alanine, which is neutral and non-polar, with threonine, which is neutral and polar, at codon 61 of the RAX2 protein (p.Ala61Thr). This variant is present in population databases (rs373359134, gnomAD 0.002%). This variant has not been reported in the literature in individuals affected with RAX2-related conditions. ClinVar contains an entry for this variant (Variation ID: 1001242). An algorithm developed to predict the effect of missense changes on protein structure and function (PolyPhen-2) suggests that this variant is likely to be disruptive. In summary, the available evidence is currently insufficient to determine the role of this variant in disease. Therefore, it has been classified as a Variant of Uncertain Significance.

Blueprint Genetics
Classification: Uncertain significance. Last evaluated: 2022-06-21. Review status: criteria provided, single submitter. Criteria: ACMG Guidelines, 2015. Collection method: clinical testing. Allele origin: germline.